The following is an entry in ClinVar:

NM_000038.6(APC):c.1802A>G (p.Glu601Gly)

Gene: APC (APC regulator of Wnt signaling pathway; plus strand). Cytogenetic location: 5q22.2.
Variant type: single nucleotide variant.
Coding change: c.1802A>G on transcript NM_000038.6 (MANE Select); coding-DNA position 1802, A replaced by G.
Protein change: p.Glu601Gly; replaces glutamic acid 601 with glycine.
Molecular consequence: missense variant.
Genome position (GRCh38, 1-based): chr5:112,835,009, A>G. VCF-style: chr5-112835009-A-G. GRCh37 (hg19) VCF-style: chr5-112170706-A-G.
Other names: c.1802A>G, p.Glu601Gly (NM_001127510.3, NM_001354895.2); c.1748A>G, p.Glu583Gly (NM_001127511.3); c.1856A>G, p.Glu619Gly (NM_001354896.2); c.1832A>G, p.Glu611Gly (NM_001354897.2); c.1727A>G, p.Glu576Gly (NM_001354898.2); c.1718A>G, p.Glu573Gly (NM_001354899.2); c.1679A>G, p.Glu560Gly (NM_001354900.2); c.1625A>G, p.Glu542Gly (NM_001354901.2); and 5 more; short protein forms E583G, E601G, E510G, E542G, E560G, E619G, E318G, E573G.
Identifiers: ClinVar variation 482421 (VCV000482421.12), dbSNP rs1554083140, ClinGen allele CA16025262.

ClinVar aggregate classification (germline): Uncertain significance. Review status: criteria provided, multiple submitters, no conflicts (2 of 4 stars). 3 submissions from 3 submitters: Uncertain significance (3). Last evaluated 2024-04-24.

Conditions:
Hereditary cancer-predisposing syndrome. Also called: Neoplastic Syndromes, Hereditary; Tumor predisposition; Hereditary Cancer Syndrome; Hereditary neoplastic syndrome. Identifiers: Orphanet 140162, MedGen C0027672, MeSH D009386, MONDO:0015356.
Familial adenomatous polyposis 1 (FAP1). Also called: FAMILIAL ADENOMATOUS POLYPOSIS 1, ATTENUATED; POLYPOSIS, ADENOMATOUS INTESTINAL. Identifiers: MedGen C2713442, MONDO:0021056, OMIM 175100. Disease mechanism: loss of function.

Submissions (3):

Labcorp Genetics (formerly Invitae), Labcorp
Classification: Uncertain significance for Familial adenomatous polyposis 1. Last evaluated: 2024-04-24. Review status: criteria provided, single submitter. Criteria: Invitae Variant Classification Sherloc (09022015). Collection method: clinical testing. Allele origin: germline.
Comment: This sequence change replaces glutamic acid, which is acidic and polar, with glycine, which is neutral and non-polar, at codon 601 of the APC protein (p.Glu601Gly). This variant is not present in population databases (gnomAD no frequency). This variant has not been reported in the literature in individuals affected with APC-related conditions. ClinVar contains an entry for this variant (Variation ID: 482421). Advanced modeling of protein sequence and biophysical properties (such as structural, functional, and spatial information, amino acid conservation, physicochemical variation, residue mobility, and thermodynamic stability) performed at Invitae indicates that this missense variant is not expected to disrupt APC protein function with a negative predictive value of 95%. In summary, the available evidence is currently insufficient to determine the role of this variant in disease. Therefore, it has been classified as a Variant of Uncertain Significance.

Sema4
Classification: Uncertain significance for Hereditary cancer-predisposing syndrome. Last evaluated: 2021-12-27. Review status: criteria provided, single submitter. Criteria: Sema4 Curation Guidelines. Collection method: curation. Allele origin: germline.
Comment: The APC c.1802A>G (p.E601G) variant has not been reported in the literature to our knowledge. It was not observed in the large and broad cohorts of the Genome Aggregation Database (PMID: 32461654). This variant has been reported in ClinVar (Variation ID 482421). Functional studies have not been performed, and in silico predictions of the variant's effect on protein function are inconclusive. The evidence is insufficient to meet ACMG/AMP criteria for classifying the variant as benign or pathogenic. Thus, the clinical significance of this variant is currently uncertain.

Ambry Genetics
Classification: Uncertain significance for Hereditary cancer-predisposing syndrome. Last evaluated: 2016-10-21. Review status: criteria provided, single submitter. Criteria: Ambry Variant Classification Scheme 2023. Collection method: clinical testing. Allele origin: germline.
Comment: The p.E601G variant (also known as c.1802A>G), located in coding exon 14 of the APC gene, results from an A to G substitution at nucleotide position 1802. The glutamic acid at codon 601 is replaced by glycine, an amino acid with similar properties. This variant was not reported in population based cohorts in the following databases: Database of Single Nucleotide Polymorphisms (dbSNP), NHLBI Exome Sequencing Project (ESP), and 1000 Genomes Project. In the ESP, this variant was not observed in 6502 samples (13004 alleles) with coverage at this position. To date, this alteration has been detected with an allele frequency of approximately 0.001% (greater than 90000 alleles tested) in our clinical cohort. This amino acid position is highly conserved in available vertebrate species. In addition, in silico predictors for this gene do not accurately predict pathogenicity. Since supporting evidence is limited at this time, the clinical significance of this alteration remains unclear.